The following is an entry in ClinVar:

NM_002087.4(GRN):c.-22C>T

Gene: GRN (granulin precursor; plus strand). Cytogenetic location: 17q21.31.
Variant type: single nucleotide variant.
Coding change: c.-22C>T on transcript NM_002087.4 (MANE Select); 22 bases upstream of the start codon, C replaced by T.
Molecular consequence: 5 prime UTR variant.
Genome position (GRCh38, 1-based): chr17:44,345,320, C>T. VCF-style: chr17-44345320-C-T. GRCh37 (hg19) VCF-style: chr17-42422688-C-T.
Identifiers: ClinVar variation 888679 (VCV000888679.5), dbSNP rs572309824, ClinGen allele CA290920948.

ClinVar aggregate classification (germline): Uncertain significance. Review status: criteria provided, multiple submitters, no conflicts (2 of 4 stars). 2 submissions from 2 submitters: Uncertain significance (2). Last evaluated 2024-11-19.

Conditions:
GRN-related frontotemporal lobar degeneration with Tdp43 inclusions (FTD2). Also called: GRN Frontotemporal Dementia; FRONTOTEMPORAL DEMENTIA WITH TDP43 INCLUSIONS, GRN-RELATED; FRONTOTEMPORAL LOBAR DEGENERATION WITH UBIQUITIN-POSITIVE INCLUSIONS; FTLD-TDP, GRN-RELATED; DEMENTIA, HEREDITARY DYSPHASIC DISINHIBITION. Identifiers: Orphanet 100070, Orphanet 282, MedGen C1843792, MONDO:0011842, OMIM 607485. Disease mechanism: loss of function.

Allele frequency attached by ClinVar (database versions not stated): TOPMed 0.00007; gnomAD 0.00009.

Submissions (2):

Blueprint Genetics
Classification: Uncertain significance. Last evaluated: 2024-11-19. Review status: criteria provided, single submitter. Criteria: ACMG Guidelines, 2015. Collection method: clinical testing. Allele origin: germline.

Illumina Laboratory Services, Illumina
Classification: Uncertain significance for GRN-related frontotemporal lobar degeneration with Tdp43 inclusions. Last evaluated: 2017-04-27. Review status: criteria provided, single submitter. Criteria: ICSL Variant Classification Criteria 13 December 2019. Collection method: clinical testing. Allele origin: germline.
Comment: This variant was observed as part of a predisposition screen in an ostensibly healthy population. A literature search was performed for the gene, cDNA change, and amino acid change (where applicable). Publications were found based on this search. However, the evidence from the literature, in combination with allele frequency data from public databases where available, was not sufficient to rule this variant in or out of causing disease. Therefore, this variant is classified as a variant of unknown significance.

Literature cited by the submitters: PubMed 19158106 (cited by Illumina Laboratory Services, Illumina); PubMed 27632209 (cited by Illumina Laboratory Services, Illumina).